The following is an entry in ClinVar:

ClinVar aggregate classification (germline): Uncertain significance (1 of 4 stars; one submission).

Submission:

Laboratory for Molecular Medicine, Mass General Brigham Personalized Medicine
Classification: Uncertain significance. Last evaluated: 2022-02-23. Review status: criteria provided, single submitter. Criteria: ACMG Guidelines, 2015. Collection method: clinical testing. Allele origin: germline.
Comment: The p.Ser575PhefsX6 variant in CDC14A has not been previously reported in individuals with hearing loss and was absent from large population studies. This variant is predicted to cause a frameshift, which alters the protein’s amino acid sequence beginning at position 575 and leads to a premature termination codon 6 amino acids downstream. This variant is not expected to undergo nonsense mediated decay and therefore the impact on the protein is unknown. In summary, the clinical significance of this variant is uncertain. ACMG/AMP Criteria applied: PVS1_Moderate, PM2_Supporting.

NM_003672.4(CDC14A):c.1724del (p.Ser575fs)

Gene: CDC14A (cell division cycle 14A; plus strand). Cytogenetic location: 1p21.2.
Variant type: Deletion.
Coding change: c.1724del on transcript NM_003672.4 (MANE Select); coding-DNA position 1724, one base deleted (C; older notation c.1724delC).
Protein change: p.Ser575fs; shifts the reading frame from serine 575.
Molecular consequence: frameshift variant.
Genome position (GRCh38, 1-based): chr1:100,499,231, C deleted. VCF-style (leftmost placement, unchanged base first): chr1-100499230-TC-T. GRCh37 (hg19) VCF-style: chr1-100964786-TC-T.
Other names: c.1724del, p.Ser575fs (NM_001319210.2, NM_033312.3); c.1550del, p.Ser517fs (NM_001319211.2); c.845del, p.Ser282fs (NM_001319212.2); short protein forms S282fs, S517fs, S575fs.
Identifiers: ClinVar variation 3075841 (VCV003075841.1), dbSNP rs2524472624, ClinGen allele CA2825000844.
Genomic context (GRCh38, chr1:100,499,230, plus strand): 5'-AGCGCCAAGACAGAGGAGCACACCACCATCCTCCGACCCTCCTACACCGGGCTTTCTTCT[TC>T]TTCAGCGAGATTCCTGAGCCGTTCTATCCCTGTAAGTGCGCAGACACCACCTCCTGGTCC-3'